The following is an entry in ClinVar:

ClinVar aggregate classification (germline): Pathogenic (1 of 4 stars; one submission).

Conditions:
Waardenburg syndrome type 2E (WS2E). Also called: WAARDENBURG SYNDROME, TYPE 2E, WITH OR WITHOUT NEUROLOGIC INVOLVEMENT; WS2E, WITH OR WITHOUT NEUROLOGIC INVOLVEMENT; HYPOGONADOTROPIC HYPOGONADISM WITH ANOSMIA AND DEAFNESS, WITH OR WITHOUT HYPOPIGMENTATION. Identifiers: Orphanet 3440, MedGen C2700405, MONDO:0012698, OMIM 611584.

Submission:

Precision Medicine Center, Zhengzhou University
Classification: Pathogenic for Waardenburg syndrome type 2E. Review status: criteria provided, single submitter. Criteria: ACMG Guidelines, 2015. Collection method: research. Allele origin: germline. Affected: yes. Observed: 3 variant alleles.
Comment: PVS1+PM2+PP3+PP4+PP1

NM_006941.4(SOX10):c.198_262del (p.Lys67fs)

Genes: POLR2F (RNA polymerase II, I and III subunit F; plus strand), SOX10 (SRY-box transcription factor 10; minus strand). Cytogenetic location: 22q13.1.
Variant type: Deletion.
Coding change: c.198_262del on transcript NM_006941.4 (MANE Select); coding-DNA positions 198 to 262, 65 bases deleted.
Protein change: p.Lys67fs; shifts the reading frame from lysine 67.
Molecular consequence: frameshift variant. On other transcripts: intron variant (3).
Genome position (GRCh38, 1-based): chr22:37,983,523-37,983,587, 65 bases deleted. GRCh37 (hg19): chr22:38,379,530-38,379,594.
Other names: c.*38+11213_*38+11277del (NM_001363825.1); c.294-2631_294-2567del (NM_001301130.2); c.293+16353_293+16417del (NM_001301131.2); short protein forms K67fs.
Identifiers: ClinVar variation 1048554 (VCV001048554.4), dbSNP rs2145777238, ClinGen allele CA2499226185.